The following is an entry in ClinVar:

ClinVar aggregate classification (germline): Pathogenic. Review status: criteria provided, multiple submitters, no conflicts (2 of 4 stars). 3 submissions from 3 submitters: Pathogenic (3). Last evaluated 2026-02-18.

Conditions:
BAP1-related tumor predisposition syndrome (TPDS1). Also called: COMMON Syndrome; TUMOR PREDISPOSITION SYNDROME 1; Tumor susceptibility linked to germline BAP1 mutations; BAP1 tumor predisposition syndrome. Identifiers: Orphanet 289539, MedGen C3280492, MONDO:0013692, OMIM 614327.
Hereditary cancer-predisposing syndrome. Also called: Hereditary neoplastic syndrome; Tumor predisposition; Hereditary Cancer Syndrome; Neoplastic Syndromes, Hereditary. Identifiers: Orphanet 140162, MedGen C0027672, MeSH D009386, MONDO:0015356.

Submissions (3):

Myriad Genetics, Inc.
Classification: Pathogenic for BAP1-related tumor predisposition syndrome. Last evaluated: 2026-02-18. Review status: criteria provided, single submitter. Criteria: Myriad Autosomal Dominant, Autosomal Recessive and X-Linked Classification Criteria (2023). Collection method: clinical testing. Allele origin: unknown.
Comment: This variant is considered pathogenic. This variant creates a frameshift predicted to result in premature protein truncation.

Labcorp Genetics (formerly Invitae), Labcorp
Classification: Pathogenic for BAP1-related tumor predisposition syndrome. Last evaluated: 2025-08-17. Review status: criteria provided, single submitter. Criteria: Invitae Variant Classification Sherloc (09022015). Collection method: clinical testing. Allele origin: germline.
Comment: This sequence change creates a premature translational stop signal (p.Lys275Serfs*60) in the BAP1 gene. It is expected to result in an absent or disrupted protein product. Loss-of-function variants in BAP1 are known to be pathogenic (PMID: 21874000, 23684012). This variant is not present in population databases (gnomAD no frequency). This variant has not been reported in the literature in individuals affected with BAP1-related conditions. ClinVar contains an entry for this variant (Variation ID: 565856). For these reasons, this variant has been classified as Pathogenic.

Ambry Genetics
Classification: Pathogenic for Hereditary cancer-predisposing syndrome. Last evaluated: 2024-06-06. Review status: criteria provided, single submitter. Criteria: Ambry Variant Classification Scheme 2023. Collection method: clinical testing. Allele origin: germline.
Comment: The c.824delA pathogenic mutation, located in coding exon 10 of the BAP1 gene, results from a deletion of one nucleotide at nucleotide position 824, causing a translational frameshift with a predicted alternate stop codon (p.K275Sfs*60). This variant is considered to be rare based on population cohorts in the Genome Aggregation Database (gnomAD). This alteration is expected to result in loss of function by premature protein truncation or nonsense-mediated mRNA decay. As such, this alteration is interpreted as a disease-causing mutation.

Literature cited by the submitters: PubMed 21874000 (cited by Labcorp Genetics (formerly Invitae), Labcorp); PubMed 23684012 (cited by Labcorp Genetics (formerly Invitae), Labcorp).

NM_004656.4(BAP1):c.824del (p.Lys275fs)

Gene: BAP1 (BRCA1 associated deubiquitinase 1; minus strand). Cytogenetic location: 3p21.1.
Variant type: Deletion.
Coding change: c.824del on transcript NM_004656.4 (MANE Select); coding-DNA position 824, one base deleted (A; older notation c.824delA).
Protein change: p.Lys275fs; shifts the reading frame from lysine 275.
Molecular consequence: frameshift variant.
Genome position (GRCh38, 1-based): chr3:52,405,872, T deleted on the plus strand (A on the coding strand, the reverse complement: BAP1 is on the minus strand); the first of 2 consecutive T bases (chr3:52,405,872-52,405,873); deleting either gives the same sequence. VCF-style (leftmost placement, unchanged base first): chr3-52405871-CT-C. GRCh37 (hg19) VCF-style: chr3-52439887-CT-C.
Other names: c.824delA (NM_004656.2); short protein forms K275fs.
Identifiers: ClinVar variation 565856 (VCV000565856.8), dbSNP rs1559589252, ClinGen allele CA891842663.